The following is an entry in ClinVar:

NM_002528.7(NTHL1):c.811A>T (p.Asn271Tyr)

Gene: NTHL1 (nth like DNA glycosylase 1; minus strand). Cytogenetic location: 16p13.3.
Variant type: single nucleotide variant.
Coding change: c.811A>T on transcript NM_002528.7 (MANE Select); coding-DNA position 811, A replaced by T.
Protein change: p.Asn271Tyr; replaces asparagine 271 with tyrosine.
Molecular consequence: missense variant.
Genome position (GRCh38, 1-based): chr16:2,040,028, T>A on the plus strand (A>T on the coding strand, the complement: NTHL1 is on the minus strand). VCF-style: chr16-2040028-T-A. GRCh37 (hg19) VCF-style: chr16-2090029-T-A.
Other names: c.640A>T, p.Asn214Tyr (NM_001318193.2); c.481A>T, p.Asn161Tyr (NM_001318194.2); short protein forms N214Y, N161Y, N271Y.
Identifiers: ClinVar variation 836475 (VCV000836475.11), dbSNP rs1376479687, ClinGen allele CA394287499.

ClinVar aggregate classification (germline): Uncertain significance. Review status: criteria provided, multiple submitters, no conflicts (2 of 4 stars). 2 submissions from 2 submitters: Uncertain significance (2). Last evaluated 2025-12-03.

Conditions:
Hereditary cancer-predisposing syndrome. Also called: Hereditary neoplastic syndrome; Neoplastic Syndromes, Hereditary; Tumor predisposition; Hereditary Cancer Syndrome. Identifiers: Orphanet 140162, MedGen C0027672, MeSH D009386, MONDO:0015356.

Allele frequency attached by ClinVar (database versions not stated): gnomAD 0.00001; TOPMed 0.00001.
gnomAD v4.1: 1 of 1,611,934 alleles (0.000062%); highest among the groups gnomAD compares: African/African-American, 0.0013%; no homozygotes.

Submissions (2):

Labcorp Genetics (formerly Invitae), Labcorp
Classification: Uncertain significance. Last evaluated: 2025-12-03. Review status: criteria provided, single submitter. Criteria: Invitae Variant Classification Sherloc (09022015). Collection method: clinical testing. Allele origin: germline.
Comment: This sequence change replaces asparagine, which is neutral and polar, with tyrosine, which is neutral and polar, at codon 279 of the NTHL1 protein (p.Asn279Tyr). This variant is not present in population databases (gnomAD no frequency). This variant has not been reported in the literature in individuals affected with NTHL1-related conditions. ClinVar contains an entry for this variant (Variation ID: 836475). An algorithm developed to predict the effect of missense changes on protein structure and function (PolyPhen-2) suggests that this variant is likely to be disruptive. In summary, the available evidence is currently insufficient to determine the role of this variant in disease. Therefore, it has been classified as a Variant of Uncertain Significance.

Ambry Genetics
Classification: Uncertain significance for Hereditary cancer-predisposing syndrome. Last evaluated: 2025-07-25. Review status: criteria provided, single submitter. Criteria: Ambry Variant Classification Scheme 2023. Collection method: clinical testing. Allele origin: germline.
Comment: The p.N279Y variant (also known as c.835A>T), located in coding exon 6 of the NTHL1 gene, results from an A to T substitution at nucleotide position 835. The asparagine at codon 279 is replaced by tyrosine, an amino acid with dissimilar properties. This amino acid position is conserved. In addition, this alteration is predicted to be deleterious by in silico analysis. Since supporting evidence is limited at this time, the clinical significance of this alteration remains unclear.